The following is an entry in ClinVar:

NM_001040108.2(MLH3):c.1682G>A (p.Gly561Glu)

Gene: MLH3 (mutL homolog 3; minus strand). Cytogenetic location: 14q24.3.
Variant type: single nucleotide variant.
Coding change: c.1682G>A on transcript NM_001040108.2 (MANE Select); coding-DNA position 1682, G replaced by A.
Protein change: p.Gly561Glu; replaces glycine 561 with glutamic acid.
Molecular consequence: missense variant.
Genome position (GRCh38, 1-based): chr14:75,047,974, C>T on the plus strand (G>A on the coding strand, the complement: MLH3 is on the minus strand). VCF-style: chr14-75047974-C-T. GRCh37 (hg19) VCF-style: chr14-75514677-C-T.
Other names: c.1682G>A, p.Gly561Glu (NM_014381.3); short protein forms G561E.
Identifiers: ClinVar variation 3396624 (VCV003396624.1).
Genomic context (GRCh38, chr14:75,047,974, plus strand): 5'-TTCTCTGTCTGAGCACTATGTACTCCCCATAATGTTGTTGCAAAAGGCAGAGGCTGGCAT[C>T]CCACTTCAGTAGCATCTTTAAATCTCTTTGGTTGATTCTGAATTCTATTATTTTTCAAGA-3'
Protein context (NP_001035197.1, residues 551-571): PKRFKDATEV[Gly561Glu]CQPLPFATTL

ClinVar aggregate classification (germline): Uncertain significance (1 of 4 stars; one submission).

Submission:

Ambry Genetics
Classification: Uncertain significance. Last evaluated: 2024-11-25. Review status: criteria provided, single submitter. Criteria: Ambry Variant Classification Scheme 2023. Collection method: clinical testing. Allele origin: germline.
Comment: The p.G561E variant (also known as c.1682G>A), located in coding exon 1 of the MLH3 gene, results from a G to A substitution at nucleotide position 1682. The glycine at codon 561 is replaced by glutamic acid, an amino acid with similar properties. This amino acid position is conserved. In addition, this alteration is predicted to be tolerated by in silico analysis. Based on the available evidence, the clinical significance of this variant remains unclear.